The following is an entry in ClinVar:

ClinVar aggregate classification (germline): Uncertain significance (1 of 4 stars; one submission).

Conditions:
Neuropathy, hereditary sensory and autonomic, type 2A (HSAN2A). Also called: ACROOSTEOLYSIS, GIACCAI TYPE; ACROOSTEOLYSIS, NEUROGENIC; MORVAN DISEASE; NEUROPATHY, CONGENITAL SENSORY; NEUROPATHY, HEREDITARY SENSORY RADICULAR, AUTOSOMAL RECESSIVE; NEUROPATHY, HEREDITARY SENSORY, TYPE IIA. Identifiers: Orphanet 970, MedGen C2752089, MONDO:0024309, OMIM 201300.
Pseudohypoaldosteronism type 2C (PHA2C). Also called: Pseudohypoaldosteronism Type IIC. Identifiers: Orphanet 757, Orphanet 88940, MedGen C1840391, MONDO:0013778, OMIM 614492.

Submission:

Labcorp Genetics (formerly Invitae), Labcorp
Classification: Uncertain significance for Neuropathy, hereditary sensory and autonomic, type 2A; Pseudohypoaldosteronism type 2C. Last evaluated: 2024-02-24. Review status: criteria provided, single submitter. Criteria: Invitae Variant Classification Sherloc (09022015). Collection method: clinical testing. Allele origin: germline.
Comment: This sequence change replaces proline, which is neutral and non-polar, with serine, which is neutral and polar, at codon 2034 of the WNK1 protein (p.Pro2034Ser). This variant is not present in population databases (gnomAD no frequency). This variant has not been reported in the literature in individuals affected with WNK1-related conditions. Advanced modeling of protein sequence and biophysical properties (such as structural, functional, and spatial information, amino acid conservation, physicochemical variation, residue mobility, and thermodynamic stability) performed at Invitae indicates that this missense variant is not expected to disrupt WNK1 protein function with a negative predictive value of 95%. In summary, the available evidence is currently insufficient to determine the role of this variant in disease. Therefore, it has been classified as a Variant of Uncertain Significance.

NM_018979.4(WNK1):c.5344C>T (p.Pro1782Ser)

Gene: WNK1 (WNK lysine deficient protein kinase 1; plus strand). Cytogenetic location: 12p13.33.
Variant type: single nucleotide variant.
Coding change: c.5344C>T on transcript NM_018979.4 (MANE Select); coding-DNA position 5344, C replaced by T.
Protein change: p.Pro1782Ser; replaces proline 1782 with serine.
Molecular consequence: missense variant.
Genome position (GRCh38, 1-based): chr12:887,284, C>T. VCF-style: chr12-887284-C-T. GRCh37 (hg19) VCF-style: chr12-996450-C-T.
Other names: c.6124C>T, p.Pro2042Ser (NM_001184985.2); c.4603C>T, p.Pro1535Ser (NM_014823.3); c.6100C>T, p.Pro2034Ser (NM_213655.5); short protein forms P1535S, P1782S, P2034S, P2042S.
Identifiers: ClinVar variation 3751792 (VCV003751792.2).